The following is an entry in ClinVar:

ClinVar aggregate classification (germline): Pathogenic. Review status: criteria provided, multiple submitters, no conflicts (2 of 4 stars). 9 submissions from 9 submitters: Pathogenic (6). 3 of the submissions do not count toward it. Last evaluated 2025-01-09.

Conditions:
AHDC1-related intellectual disability - obstructive sleep apnea - mild dysmorphism syndrome. Also called: Xia-Gibbs syndrome. Identifiers: Orphanet 412069, MedGen C4014419, MONDO:0014358, OMIM 615829.
Intellectual disability. Also called: Intellectual developmental disorder; Intellectual functioning disability; intellectual disabilities. Identifiers: MedGen C3714756, MeSH D008607, MONDO:0001071, HP:0001249.

Submissions (9):

3billion
Classification: Pathogenic for AHDC1-related intellectual disability - obstructive sleep apnea - mild dysmorphism syndrome. Last evaluated: 2025-01-09. Review status: criteria provided, single submitter. Criteria: ACMG Guidelines, 2015. Collection method: clinical testing. Allele origin: germline. Affected: yes.
Comment: The variant is observed at an extremely low frequency in the gnomAD v4.1.0 dataset (total allele frequency: <0.001%). Predicted Consequence/Location: Stop-gained (nonsense): predicted to result in a loss or disruption of normal protein function through nonsense-mediated decay (NMD) or protein truncation. Multiple pathogenic variants are reported downstream of the variant. The variant has been previously reported as de novo in a similarly affected individual (PMID: 29696776). The variant has been reported at least twice as pathogenic with clinical assertions and evidence for the classification (ClinVar ID: VCV000438276 /PMID: 29696776). Therefore, this variant is classified as Pathogenic according to the recommendation of ACMG/AMP guideline.

Labcorp Genetics (formerly Invitae), Labcorp
Classification: Pathogenic. Last evaluated: 2023-08-04. Review status: criteria provided, single submitter. Criteria: Invitae Variant Classification Sherloc (09022015). Collection method: clinical testing. Allele origin: germline.
Comment: This sequence change creates a premature translational stop signal (p.Arg688*) in the AHDC1 gene. It is expected to result in an absent or disrupted protein product. Loss-of-function variants in AHDC1 are known to be pathogenic (PMID: 24791903, 27148574). For these reasons, this variant has been classified as Pathogenic. ClinVar contains an entry for this variant (Variation ID: 438276). This premature translational stop signal has been observed in individual(s) with Xia-Gibbs syndrome (PMID: 29696776). This variant is not present in population databases (gnomAD no frequency).

GeneDx
Classification: Pathogenic. Last evaluated: 2023-06-30. Review status: criteria provided, single submitter. Criteria: GeneDx Variant Classification Process June 2021. Collection method: clinical testing. Allele origin: germline. Affected: yes.
Comment: Nonsense variant predicted to result in protein truncation in a gene for which loss of function is a known mechanism of disease; Not observed at significant frequency in large population cohorts (gnomAD); This variant is associated with the following publications: (PMID: 30729726, 37216737, 29696776, 33644933, 35599849, 34580403)

Cambridge Genomics Laboratory, East Genomic Laboratory Hub, NHS Genomic Medicine Service
Classification: Pathogenic for Intellectual disability. Last evaluated: 2019-08-08. Review status: criteria provided, single submitter. Criteria: ACGS Best Practice Guidelines for Variant Classification in Rare Disease 2020. Collection method: clinical testing. Allele origin: germline. Affected: yes. Observed: 1 variant allele.

Equipe Genetique des Anomalies du Developpement, Université de Bourgogne
Classification: Pathogenic for AHDC1-related intellectual disability - obstructive sleep apnea - mild dysmorphism syndrome. Last evaluated: 2016-01-01. Review status: criteria provided, single submitter. Criteria: ACMG Guidelines, 2015. Collection method: clinical testing. Allele origin: de novo. Affected: yes.

Centre de Biologie Pathologie Génétique, Centre Hospitalier Universitaire de Lille
Classification: Pathogenic for AHDC1-related intellectual disability - obstructive sleep apnea - mild dysmorphism syndrome. Review status: criteria provided, single submitter. Criteria: ACMG Guidelines, 2015. Collection method: clinical testing. Allele origin: de novo. Affected: yes.

Pediatric Genetics Clinic, Sheba Medical Center
Classification: Pathogenic for AHDC1-related intellectual disability - obstructive sleep apnea - mild dysmorphism syndrome. Last evaluated: 2021-05-13. Review status: no assertion criteria provided. Collection method: clinical testing. Allele origin: de novo. Affected: yes. Observed: 1 heterozygote. Not counted in ClinVar's aggregate classification.

Molecular Genetics Laboratory, BC Children's and BC Women's Hospitals
Classification: Likely pathogenic for AHDC1-related intellectual disability - obstructive sleep apnea - mild dysmorphism syndrome. Last evaluated: 2016-03-23. Review status: no assertion criteria provided. Criteria: ACMG Guidelines, 2015. Collection method: clinical testing. Allele origin: de novo. Affected: yes. Not counted in ClinVar's aggregate classification.

Human Genome Sequencing Center Clinical Lab, Baylor College of Medicine
Classification: Pathogenic for AHDC1-related intellectual disability - obstructive sleep apnea - mild dysmorphism syndrome. Review status: no assertion criteria provided. Collection method: clinical testing. Allele origin: de novo. Affected: yes. Not counted in ClinVar's aggregate classification.

Literature cited by the submitters: PubMed 29696776 (cited by 3billion and Labcorp Genetics (formerly Invitae), Labcorp); PubMed 24791903 (cited by Labcorp Genetics (formerly Invitae), Labcorp); PubMed 27148574 (cited by Labcorp Genetics (formerly Invitae), Labcorp).

NM_001371928.1(AHDC1):c.2062C>T (p.Arg688Ter)

Gene: AHDC1 (AT-hook DNA binding motif containing 1; minus strand). Cytogenetic location: 1p36.11.
Variant type: single nucleotide variant.
Coding change: c.2062C>T on transcript NM_001371928.1 (MANE Select); coding-DNA position 2062, C replaced by T.
Protein change: p.Arg688Ter; replaces arginine 688 with a stop codon.
Molecular consequence: nonsense.
Genome position (GRCh38, 1-based): chr1:27,550,054, G>A on the plus strand (C>T on the coding strand, the complement: AHDC1 is on the minus strand). VCF-style: chr1-27550054-G-A. GRCh37 (hg19) VCF-style: chr1-27876565-G-A.
Other names: c.2062C>T, p.Arg688Ter (NM_001029882.3); short protein forms R688*.
Identifiers: ClinVar variation 438276 (VCV000438276.15), dbSNP rs1165205177, ClinGen allele CA339232769.